The following is an entry in ClinVar:

NM_005612.5(REST):c.1162C>T (p.Gln388Ter)

Gene: REST (RE1 silencing transcription factor; plus strand). Cytogenetic location: 4q12.
Variant type: single nucleotide variant.
Coding change: c.1162C>T on transcript NM_005612.5 (MANE Select); coding-DNA position 1162, C replaced by T.
Protein change: p.Gln388Ter; replaces glutamine 388 with a stop codon.
Molecular consequence: nonsense.
Genome position (GRCh38, 1-based): chr4:56,930,020, C>T. VCF-style: chr4-56930020-C-T. GRCh37 (hg19) VCF-style: chr4-57796186-C-T.
Other names: c.1162C>T, p.Gln388Ter (NM_001193508.2, NM_001363453.3); short protein forms Q388*.
Identifiers: ClinVar variation 2024701 (VCV002024701.4), dbSNP rs2475848594, ClinGen allele CA357005997.

ClinVar aggregate classification (germline): Uncertain significance (1 of 4 stars; one submission).

Submission:

Labcorp Genetics (formerly Invitae), Labcorp
Classification: Uncertain significance. Last evaluated: 2021-12-02. Review status: criteria provided, single submitter. Criteria: Invitae Variant Classification Sherloc (09022015). Collection method: clinical testing. Allele origin: germline.
Comment: This sequence change creates a premature translational stop signal (p.Gln388*) in the REST gene. While this is not anticipated to result in nonsense mediated decay, it is expected to disrupt the last 710 amino acid(s) of the REST protein. This variant is not present in population databases (gnomAD no frequency). This variant has not been reported in the literature in individuals affected with REST-related conditions. Algorithms developed to predict the effect of sequence changes on RNA splicing suggest that this variant may create or strengthen a splice site. In summary, the available evidence is currently insufficient to determine the role of this variant in disease. Therefore, it has been classified as a Variant of Uncertain Significance.